The following is an entry in ClinVar:

ClinVar aggregate classification (germline): Pathogenic/Likely pathogenic. Review status: criteria provided, multiple submitters, no conflicts (2 of 4 stars). 5 submissions from 5 submitters: Pathogenic (3); Likely pathogenic (2). Last evaluated 2025-06-09.

Conditions:
Familial cancer of breast. Also called: hereditary breast carcinoma; Hereditary breast cancer; BREAST CANCER, FAMILIAL. Identifiers: Orphanet 227535, MedGen C0346153, MONDO:0016419, OMIM 114480. Disease mechanism: loss of function.
Hereditary cancer-predisposing syndrome. Also called: Neoplastic Syndromes, Hereditary; Hereditary neoplastic syndrome; Hereditary Cancer Syndrome; Tumor predisposition. Identifiers: Orphanet 140162, MedGen C0027672, MeSH D009386, MONDO:0015356.
Ataxia-telangiectasia syndrome (AT). Also called: ATAXIA-TELANGIECTASIA, FRESNO VARIANT; Ataxia-telangiectasia, complementation group D; Cerebello-oculocutaneous telangiectasia; Immunodeficiency with ataxia telangiectasia; Ataxia-telangiectasia; Ataxia telangiectasia (A-T). Identifiers: Orphanet 100, MedGen C0004135, MONDO:0008840, OMIM 208900.

Allele frequency attached by ClinVar (database versions not stated): TOPMed below 0.00001; gnomAD 0.00001.

Submissions (5):

Labcorp Genetics (formerly Invitae), Labcorp
Classification: Pathogenic for Ataxia-telangiectasia syndrome. Last evaluated: 2025-06-09. Review status: criteria provided, single submitter. Criteria: Invitae Variant Classification Sherloc (09022015). Collection method: clinical testing. Allele origin: germline.
Comment: This sequence change creates a premature translational stop signal (p.Pro1785Leufs*7) in the ATM gene. It is expected to result in an absent or disrupted protein product. Loss-of-function variants in ATM are known to be pathogenic (PMID: 23807571, 25614872). This variant is not present in population databases (gnomAD no frequency). This variant has not been reported in the literature in individuals affected with ATM-related conditions. ClinVar contains an entry for this variant (Variation ID: 654584). For these reasons, this variant has been classified as Pathogenic.

Natera, Inc.
Classification: Likely pathogenic for Ataxia-telangiectasia. Last evaluated: 2024-08-15. Review status: criteria provided, single submitter. Criteria: Natera Variant Classification Schema (03/2026). Collection method: clinical testing. Allele origin: germline.
Comment: The c.5352_5355del variant in ATM is a frameshift variant predicted to shift the reading frame beginning at codon 1785 and leads to a stop codon 7 codons downstream. This variant is expected to result in nonsense mediated decay, truncation, or a dysfunctional protein product. This variant is rare in the general population with a frequency below the threshold expected for the associated phenotype(s). Given the available evidence, this variant is classified as Likely Pathogenic.

Myriad Genetics, Inc.
Classification: Pathogenic for Familial cancer of breast. Last evaluated: 2024-01-25. Review status: criteria provided, single submitter. Criteria: Myriad Autosomal Dominant, Autosomal Recessive and X-Linked Classification Criteria (2023). Collection method: clinical testing. Allele origin: unknown.
Comment: This variant is considered pathogenic. This variant creates a frameshift predicted to result in premature protein truncation.

Baylor Genetics
Classification: Likely pathogenic for Familial cancer of breast. Last evaluated: 2023-02-21. Review status: criteria provided, single submitter. Criteria: ACMG Guidelines, 2015. Collection method: clinical testing. Allele origin: unknown.

Ambry Genetics
Classification: Pathogenic for Hereditary cancer-predisposing syndrome. Last evaluated: 2022-12-01. Review status: criteria provided, single submitter. Criteria: Ambry Variant Classification Scheme 2023. Collection method: clinical testing. Allele origin: germline.
Comment: The c.5352_5355delCCCT pathogenic mutation, located in coding exon 35 of the ATM gene, results from a deletion of 4 nucleotides at nucleotide positions 5352 to 5355, causing a translational frameshift with a predicted alternate stop codon (p.P1785Lfs*7). This variant is considered to be rare based on population cohorts in the Genome Aggregation Database (gnomAD). This alteration is expected to result in loss of function by premature protein truncation or nonsense-mediated mRNA decay. As such, this alteration is interpreted as a disease-causing mutation.

Literature cited by the submitters: PubMed 23807571 (cited by Labcorp Genetics (formerly Invitae), Labcorp); PubMed 25614872 (cited by Labcorp Genetics (formerly Invitae), Labcorp).

NM_000051.4(ATM):c.5352_5355del (p.Pro1785fs)

Gene: ATM (ATM serine/threonine kinase; plus strand). Cytogenetic location: 11q22.3.
Variant type: Deletion.
Coding change: c.5352_5355del on transcript NM_000051.4 (MANE Select); coding-DNA positions 5352 to 5355, 4 bases deleted (CCCT; older notation c.5352_5355delCCCT).
Protein change: p.Pro1785fs; shifts the reading frame from proline 1785.
Molecular consequence: frameshift variant.
Genome position (GRCh38, 1-based): chr11:108,302,885-108,302,888, CCCT deleted. VCF-style (leftmost placement, unchanged base first): chr11-108302884-ACCCT-A. GRCh37 (hg19) VCF-style: chr11-108173611-ACCCT-A.
Other names: c.5352_5355delCCCT (NM_000051.3); c.5352_5355del, p.Pro1785fs (NM_001351834.2); short protein forms P1785fs.
Identifiers: ClinVar variation 654584 (VCV000654584.12), dbSNP rs1214541502, ClinGen allele CA671413672.